The following is an entry in ClinVar:

NM_001394062.1(MACF1):c.695G>C (p.Arg232Pro)

Gene: MACF1 (microtubule actin crosslinking factor 1; plus strand). Cytogenetic location: 1p34.3.
Variant type: single nucleotide variant.
Coding change: c.695G>C on transcript NM_001394062.1 (MANE Select); coding-DNA position 695, G replaced by C.
Protein change: p.Arg232Pro; replaces arginine 232 with proline.
Molecular consequence: missense variant.
Genome position (GRCh38, 1-based): chr1:39,282,374, G>C. VCF-style: chr1-39282374-G-C. GRCh37 (hg19) VCF-style: chr1-39748046-G-C.
Other names: c.710G>C, p.Arg237Pro (NM_012090.5); short protein forms R232P, R237P.
Identifiers: ClinVar variation 5020237 (VCV005020237.1).

ClinVar aggregate classification (germline): Uncertain significance (1 of 4 stars; one submission).

Submission:

Dasa
Classification: Uncertain significance. Last evaluated: 2026-07-06. Review status: criteria provided, single submitter. Criteria: DASA Assertion Criteria. Collection method: clinical testing. Allele origin: germline.
Comment: NM_001394062.1(MACF1):c.695G>C (p.Arg232Pro) is a missense variant that results in the substitution of arginine with proline. This variant is rare in population databases. Computational prediction algorithms are consistent with a deleterious effect. The currently available literature and clinical evidence are not sufficient to establish a definitive association between this variant and the reported condition. Therefore, this variant is classified as a variant of uncertain significance.